The following is an entry in ClinVar:

ClinVar aggregate classification (germline): Uncertain significance (0 of 4 stars; one submission).

Conditions:
CACNA1D-related disorder.

Submission:

PreventionGenetics, part of Exact Sciences
Classification: Uncertain significance for CACNA1D-related condition. Last evaluated: 2023-12-12. Review status: no assertion criteria provided. Collection method: clinical testing. Allele origin: germline.
Comment: The CACNA1D c.1130T>A variant is predicted to result in the amino acid substitution p.Ile377Lys. To our knowledge, this variant has not been reported in the literature or in a large population database, indicating this variant is rare. At this time, the clinical significance of this variant is uncertain due to the absence of conclusive functional and genetic evidence.

NM_000720.4(CACNA1D):c.1130T>A (p.Ile377Lys)

Gene: CACNA1D (calcium voltage-gated channel subunit alpha1 D; plus strand). Cytogenetic location: 3p21.1.
Variant type: single nucleotide variant.
Coding change: c.1130T>A on transcript NM_000720.4 (MANE Plus Clinical); coding-DNA position 1130, T replaced by A.
Protein change: p.Ile377Lys; replaces isoleucine 377 with lysine.
Molecular consequence: missense variant. On other transcripts: intron variant (2).
Genome position (GRCh38, 1-based): chr3:53,673,726, T>A. VCF-style: chr3-53673726-T-A. GRCh37 (hg19) VCF-style: chr3-53707753-T-A.
Other names: c.1220+600T>A (NM_001128840.3, NM_001128839.3); short protein forms I377K.
Identifiers: ClinVar variation 3051453 (VCV003051453.2), dbSNP rs2473109651, ClinGen allele CA353384018.
Genomic context (GRCh38, chr3:53,673,726, plus strand): 5'-TCTTTAGTAAATGGATAACTGATAACTGATCTCCTTACATTTTACAGGTAAATGATGCGA[T>A]AGGATGGGAATGGCCATGGGTGTATTTTGTTAGTCTGATCATCCTTGGCTCATTTTTCGT-3'
Protein context (NP_000711.1, residues 367-387): TDVLYWVNDA[Ile377Lys]GWEWPWVYFV